The following is an entry in ClinVar:

ClinVar aggregate classification (germline): Uncertain significance (0 of 4 stars; one submission).

Allele frequency attached by ClinVar (database versions not stated): gnomAD exomes below 0.00001.
gnomAD v4.1: 1 of 1,593,294 alleles (0.000063%); highest among the groups gnomAD compares: South Asian, 0.0011%; no homozygotes.

Submission:

Department of Pathology and Laboratory Medicine, Sinai Health System
Classification: Uncertain significance. Review status: no assertion criteria provided. Collection method: clinical testing. Allele origin: unknown. Affected: yes. Study: The Canadian Open Genetics Repository (COGR).
Comment: The SERAC1 p.D615N variant was not identified in the literature nor was it identified in ClinVar. The variant was identified in dbSNP (ID: rs1376764852) and in control databases in 1 of 229226 chromosomes at a frequency of 0.000004363 (Genome Aggregation Database March 6, 2019, v2.1.1). The p.D615 residue is conserved in mammals and computational analyses (MUT Assesor, SIFT, MutationTaster, Revel, FATHMM, MetaLR, DANN) suggest that the variant may impact the protein; however this information is not predictive enough to assume pathogenicity. The variant occurs outside of the splicing consensus sequence and in silico or computational prediction software programs (Splice AI exome, Splice AI genome) do not predict a deleterious effect on splicing. In summary, based on the above information the clinical significance of this variant cannot be determined with certainty at this time. This variant is classified as a variant of uncertain significance.

NM_032861.4(SERAC1):c.1843G>A (p.Asp615Asn)

Gene: SERAC1 (serine active site containing 1; minus strand). Cytogenetic location: 6q25.3.
Variant type: single nucleotide variant.
Coding change: c.1843G>A on transcript NM_032861.4 (MANE Select); coding-DNA position 1843, G replaced by A.
Protein change: p.Asp615Asn; replaces aspartic acid 615 with asparagine.
Molecular consequence: missense variant.
Genome position (GRCh38, 1-based): chr6:158,111,488, C>T on the plus strand (G>A on the coding strand, the complement: SERAC1 is on the minus strand). VCF-style: chr6-158111488-C-T. GRCh37 (hg19) VCF-style: chr6-158532520-C-T.
Other names: short protein forms D615N.
Identifiers: ClinVar variation 1050396 (VCV001050396.1), dbSNP rs1376764852, ClinGen allele CA366253991.